The following is an entry in ClinVar:

NM_001365951.3(KIF1B):c.5215C>G (p.Pro1739Ala)

Gene: KIF1B (kinesin family member 1B; plus strand). Cytogenetic location: 1p36.22.
Variant type: single nucleotide variant.
Coding change: c.5215C>G on transcript NM_001365951.3 (MANE Select); coding-DNA position 5215, C replaced by G.
Protein change: p.Pro1739Ala; replaces proline 1739 with alanine.
Molecular consequence: missense variant.
Genome position (GRCh38, 1-based): chr1:10,374,972, C>G. VCF-style: chr1-10374972-C-G. GRCh37 (hg19) VCF-style: chr1-10435030-C-G.
Other names: c.5215C>G, p.Pro1739Ala (NM_001365952.1); c.5077C>G, p.Pro1693Ala (NM_015074.3); short protein forms P1693A, P1739A.
Identifiers: ClinVar variation 4841867 (VCV004841867.1).

ClinVar aggregate classification (germline): Uncertain significance (1 of 4 stars; one submission).

Submission:

Ambry Genetics
Classification: Uncertain significance. Last evaluated: 2025-12-20. Review status: criteria provided, single submitter. Criteria: Ambry Variant Classification Scheme 2023. Collection method: clinical testing. Allele origin: germline.
Comment: The p.P1693A variant (also known as c.5077C>G), located in coding exon 44 of the KIF1B gene, results from a C to G substitution at nucleotide position 5077. The proline at codon 1693 is replaced by alanine, an amino acid with highly similar properties. This amino acid position is conserved. In addition, this alteration is predicted to be tolerated by in silico analysis. Based on the available evidence, the clinical significance of this variant remains unclear.